The following is an entry in ClinVar:

ClinVar aggregate classification (germline): Pathogenic (1 of 4 stars; one submission).

Conditions:
SIN3A-related intellectual disability syndrome due to a point mutation. Also called: 15q24 Microdeletion Syndrome; WITTEVEEN-KOLK SYNDROME. Identifiers: Orphanet 500166, Orphanet 94065, MedGen C4310804, MONDO:0044700, OMIM 613406.

Submission:

Variantyx, Inc.
Classification: Pathogenic for SIN3A-related intellectual disability syndrome due to a point mutation. Last evaluated: 2025-10-22. Review status: criteria provided, single submitter. Criteria: Variantyx Assertion Criteria 2022. Collection method: clinical testing. Allele origin: de novo. Inheritance: Autosomal dominant inheritance. Affected: yes.
Comment: This is a frameshift variant in the SIN3A gene (OMIM: 607776). Pathogenic variants in this gene have been associated with autosomal dominant Witteveen-Kolk syndrome. The alteration introduces a premature termination codon in exon 5 out of 21 and is expected to result in loss of function, which is a known disease mechanism for SIN3A in this disorder (PMID: 27399968) (PVS1). This variant is absent from control populations (PM2), and it has not been reported in individuals with SIN3A-related disorders in the databases available for review. Based on the current evidence, this variant is classified as pathogenic for autosomal dominant Witteveen-Kolk syndrome.

Literature cited by the submitters: PubMed 27399968.

NM_001145358.2(SIN3A):c.499_500insT (p.Arg167fs)

Gene: SIN3A (SIN3 transcription regulator family member A; minus strand). Cytogenetic location: 15q24.2.
Variant type: Insertion.
Coding change: c.499_500insT on transcript NM_001145358.2 (MANE Select); coding-DNA positions 499 to 500, T inserted.
Protein change: p.Arg167fs; shifts the reading frame from arginine 167.
Molecular consequence: frameshift variant.
Genome position: GRCh38 VCF-style: chr15-75413019-C-CA. GRCh37 (hg19) VCF-style: chr15-75705360-C-CA.
Other names: c.499_500insT, p.Arg167fs (NM_001145357.2, NM_001437462.1, NM_001437463.1 and 1 more transcripts); short protein forms R167fs.
Identifiers: ClinVar variation 4850010 (VCV004850010.1).
Genomic context (GRCh38, chr15:75,413,019, plus strand): 5'-GGCAAGAAGGTGTTGAATCCCATTATCAGATCGGGGTGGCCTTTGAATAGCTGGGACACA[C>CA]GACTAATCACTCCTGGGGTGTCGATGCTGATAAAAAACAAAAAGAAAAGTGATAAACTGT-3'